The following is an entry in ClinVar:

NM_006218.4(PIK3CA):c.896T>C (p.Met299Thr)

Gene: PIK3CA (phosphatidylinositol-4,5-bisphosphate 3-kinase catalytic subunit alpha; plus strand). Cytogenetic location: 3q26.32.
Variant type: single nucleotide variant.
Coding change: c.896T>C on transcript NM_006218.4 (MANE Select); coding-DNA position 896, T replaced by C.
Protein change: p.Met299Thr; replaces methionine 299 with threonine.
Molecular consequence: missense variant.
Genome position (GRCh38, 1-based): chr3:179,203,626, T>C. VCF-style: chr3-179203626-T-C. GRCh37 (hg19) VCF-style: chr3-178921414-T-C.
Other names: short protein forms M299T.
Identifiers: ClinVar variation 2561318 (VCV002561318.2), dbSNP rs1576934637, ClinGen allele CA355280177.

ClinVar aggregate classification (germline): Uncertain significance (1 of 4 stars; one submission).

Conditions:
Inborn genetic diseases. Identifiers: MedGen C0950123, MeSH D030342.

Allele frequency attached by ClinVar (database versions not stated): gnomAD exomes below 0.00001; TOPMed 0.00002.
gnomAD v4.1: 2 of 1,614,018 alleles (0.00012%); highest among the groups gnomAD compares: Non-Finnish European, 0.00017%; no homozygotes.

Submission:

Ambry Genetics
Classification: Uncertain significance for Inborn genetic diseases. Last evaluated: 2023-04-18. Review status: criteria provided, single submitter. Criteria: Ambry Variant Classification Scheme 2023. Collection method: clinical testing. Allele origin: germline.
Comment: The p.M299T variant (also known as c.896T>C), located in coding exon 4 of the PIK3CA gene, results from a T to C substitution at nucleotide position 896. The methionine at codon 299 is replaced by threonine, an amino acid with similar properties. This amino acid position is conserved. In addition, this alteration is predicted to be tolerated by in silico analysis. Since supporting evidence is limited at this time, the clinical significance of this alteration remains unclear.